The following is an entry in ClinVar:

ClinVar aggregate classification (germline): Uncertain significance (1 of 4 stars; one submission).

Submission:

Geisinger Autism and Developmental Medicine Institute, Geisinger Health System
Classification: Uncertain significance. Last evaluated: 2018-04-13. Review status: criteria provided, single submitter. Criteria: ACMG CNV Guidelines, 2011. Collection method: provider interpretation. Allele origin: maternal.
Comment: This duplicated region contains six regions, including CDHR1, RGR, and a portion of CCSER2. The clinical significance of carrying three copies of these genes is unclear at this time.

Single allele

Genes: CCSER2 (coiled-coil serine rich protein 2; plus strand), CDHR1 (cadherin related family member 1; plus strand), GHITM (growth hormone inducible transmembrane protein; plus strand), GPR15LG (G protein-coupled receptor 15 ligand; plus strand), LRIT1 (leucine rich repeat, Ig-like and transmembrane domains 1; minus strand) and 2 more. Cytogenetic location: 10q23.1.
Variant type: Duplication.
Identifiers: ClinVar variation 560152 (VCV000560152.3).